The following is an entry in ClinVar:

NM_033026.6(PCLO):c.10868_10872delinsCAAA (p.Leu3623fs)

Gene: PCLO (piccolo presynaptic cytomatrix protein; minus strand). Cytogenetic location: 7q21.11.
Variant type: Indel.
Coding change: c.10868_10872delinsCAAA on transcript NM_033026.6 (MANE Select); coding-DNA positions 10868 to 10872, TTTAC replaced by CAAA.
Protein change: p.Leu3623fs; shifts the reading frame from leucine 3623.
Molecular consequence: frameshift variant.
Genome position (GRCh38, 1-based): chr7:82,949,716-82,949,720, GTAAA replaced by TTTG on the plus strand (TTTAC replaced by CAAA on the coding strand, the reverse complement: PCLO is on the minus strand). VCF-style: chr7-82949716-GTAAA-TTTG. GRCh37 (hg19) VCF-style: chr7-82579032-GTAAA-TTTG.
Other names: c.10868_10872delinsCAAA, p.Leu3623fs (NM_014510.3); short protein forms L3623fs.
Identifiers: ClinVar variation 4984715 (VCV004984715.1).

ClinVar aggregate classification (germline): Likely pathogenic (1 of 4 stars; one submission).

Conditions:
PCLO-related disorder. Also called: PCLO-related condition.

Submission:

PreventionGenetics, part of Exact Sciences
Classification: Likely pathogenic for PCLO-related condition. Last evaluated: 2025-03-25. Review status: criteria provided, single submitter. Criteria: ACMG Guidelines, 2015. Collection method: clinical testing. Allele origin: germline.
Comment: The PCLO c.10868_10872delinsCAAA variant is predicted to result in a frameshift and premature protein termination (p.Leu3623Profs*14). To our knowledge, this variant has not been reported in the literature or in a large population database (gnomAD), indicating this variant is rare. Frameshift variants in PCLO are expected to be pathogenic. This variant is interpreted as likely pathogenic.